The following is an entry in ClinVar:

ClinVar aggregate classification (germline): Uncertain significance (1 of 4 stars; one submission).

Conditions:
Arrhythmogenic cardiomyopathy with wooly hair and keratoderma. Also called: PALMOPLANTAR KERATODERMA WITH LEFT VENTRICULAR CARDIOMYOPATHY AND WOOLLY HAIR; Carvajal syndrome; Dilated cardiomyopathy with woolly hair and keratoderma; Arrhythmogenic cardiomyopathy with woolly hair and keratoderma. Identifiers: Orphanet 65282, MedGen C1854063, MONDO:0011581, OMIM 605676.

Submission:

All of Us Research Program, National Institutes of Health
Classification: Uncertain significance for Arrhythmogenic cardiomyopathy with wooly hair and keratoderma. Last evaluated: 2024-01-11. Review status: criteria provided, single submitter. Criteria: ACMG Guidelines, 2015. Collection method: clinical testing. Allele origin: germline. Inheritance: Autosomal dominant inheritance. Observed: 1 variant allele, 1 heterozygote.
Comment: This study involves interpretation of variants in research participants for the purpose of population health screening. Participant phenotype was not available at the time of variant classification. Additional details can be found in publication PMID: 35346344, PMCID: PMC8962531

NM_004415.4(DSP):c.3319C>A (p.Leu1107Ile)

Gene: DSP (desmoplakin; plus strand). Cytogenetic location: 6p24.3.
Variant type: single nucleotide variant.
Coding change: c.3319C>A on transcript NM_004415.4 (MANE Select); coding-DNA position 3319, C replaced by A.
Protein change: p.Leu1107Ile; replaces leucine 1107 with isoleucine.
Molecular consequence: missense variant.
Genome position (GRCh38, 1-based): chr6:7,579,509, C>A. VCF-style: chr6-7579509-C-A. GRCh37 (hg19) VCF-style: chr6-7579742-C-A.
Other names: c.3319C>A, p.Leu1107Ile (NM_001008844.3, NM_001319034.2); short protein forms L1107I.
Identifiers: ClinVar variation 3075317 (VCV003075317.1), dbSNP rs1759348638, ClinGen allele CA362683666.